The following is an entry in ClinVar:

NM_001844.5(COL2A1):c.3472G>C (p.Gly1158Arg)

Gene: COL2A1 (collagen type II alpha 1 chain; minus strand). Cytogenetic location: 12q13.11.
Variant type: single nucleotide variant.
Coding change: c.3472G>C on transcript NM_001844.5 (MANE Select); coding-DNA position 3472, G replaced by C.
Protein change: p.Gly1158Arg; replaces glycine 1158 with arginine.
Molecular consequence: missense variant.
Genome position (GRCh38, 1-based): chr12:47,976,531, C>G on the plus strand (G>C on the coding strand, the complement: COL2A1 is on the minus strand). VCF-style: chr12-47976531-C-G. GRCh37 (hg19) VCF-style: chr12-48370314-C-G.
Other names: c.3265G>C, p.Gly1089Arg (NM_033150.3); short protein forms G1158R, G1089R.
Identifiers: ClinVar variation 374117 (VCV000374117.4), dbSNP rs1057518911, ClinGen allele CA16043470.

ClinVar aggregate classification (germline): Likely pathogenic. Review status: criteria provided, single submitter (1 of 4 stars). 2 submissions from 1 submitter: Likely pathogenic (2). Last evaluated 2016-01-01.

Conditions:
Achondrogenesis type II (ACG2). Also called: ACHONDROGENESIS, LANGER-SALDINO TYPE; CHONDROGENESIS IMPERFECTA. Identifiers: Orphanet 932, Orphanet 93296, MedGen C0220685, MONDO:0008702, OMIM 200610.
Disproportionate short-limb short stature. Identifiers: MedGen C1849937, HP:0008873.
Narrow chest. Identifiers: MedGen C0426790, HP:0000774.

Submissions (2):

Centre for Mendelian Genomics, University Medical Centre Ljubljana
Classification: Likely pathogenic for Achondrogenesis type II. Last evaluated: 2016-01-01. Review status: criteria provided, single submitter. Criteria: ACMG Guidelines, 2015. Collection method: clinical testing. Allele origin: unknown. Affected: yes.
Comment: This variant was classified as: Likely pathogenic.

Centre for Mendelian Genomics, University Medical Centre Ljubljana
Classification: Likely pathogenic for Disproportionate short-limb short stature; Narrow chest. Last evaluated: 2015-06-01. Review status: criteria provided, single submitter. Criteria: ACMG Guidelines, 2015. Collection method: clinical testing. Allele origin: unknown. Affected: yes.